The following is an entry in ClinVar:

ClinVar aggregate classification (germline): Uncertain significance. Review status: criteria provided, multiple submitters, no conflicts (2 of 4 stars). 2 submissions from 2 submitters: Uncertain significance (2). Last evaluated 2024-07-15.

Allele frequency attached by ClinVar (database versions not stated): gnomAD 0.00001; TOPMed 0.00002.
gnomAD v4.1: 25 of 1,612,242 alleles (0.0016%); highest among the groups gnomAD compares: Middle Eastern, 0.016%; no homozygotes.

Submissions (2):

Ambry Genetics
Classification: Uncertain significance. Last evaluated: 2024-07-15. Review status: criteria provided, single submitter. Criteria: Ambry Variant Classification Scheme 2023. Collection method: clinical testing. Allele origin: germline.

Labcorp Genetics (formerly Invitae), Labcorp
Classification: Uncertain significance. Last evaluated: 2023-01-21. Review status: criteria provided, single submitter. Criteria: Invitae Variant Classification Sherloc (09022015). Collection method: clinical testing. Allele origin: germline.
Comment: This sequence change replaces serine, which is neutral and polar, with tryptophan, which is neutral and slightly polar, at codon 225 of the SLC19A1 protein (p.Ser225Trp). This variant is present in population databases (rs572974130, gnomAD 0.008%). This variant has not been reported in the literature in individuals affected with SLC19A1-related conditions. Algorithms developed to predict the effect of missense changes on protein structure and function are either unavailable or do not agree on the potential impact of this missense change (SIFT: "Deleterious"; PolyPhen-2: "Probably Damaging"; Align-GVGD: "Class C0"). In summary, the available evidence is currently insufficient to determine the role of this variant in disease. Therefore, it has been classified as a Variant of Uncertain Significance.

NM_194255.4(SLC19A1):c.674C>G (p.Ser225Trp)

Gene: SLC19A1 (solute carrier family 19 member 1; minus strand). Cytogenetic location: 21q22.3.
Variant type: single nucleotide variant.
Coding change: c.674C>G on transcript NM_194255.4 (MANE Select); coding-DNA position 674, C replaced by G.
Protein change: p.Ser225Trp; replaces serine 225 with tryptophan.
Molecular consequence: missense variant.
Genome position (GRCh38, 1-based): chr21:45,531,664, G>C on the plus strand (C>G on the coding strand, the complement: SLC19A1 is on the minus strand). VCF-style: chr21-45531664-G-C. GRCh37 (hg19) VCF-style: chr21-46951578-G-C.
Other names: c.674C>G (NM_194255.2); c.674C>G, p.Ser225Trp (NM_001205206.4, NM_001352511.3, NM_001352512.2); c.554C>G, p.Ser185Trp (NM_001205207.3); c.320C>G, p.Ser107Trp (NM_001352510.2); short protein forms S225W, S107W, S185W.
Identifiers: ClinVar variation 2893113 (VCV002893113.4), dbSNP rs572974130, ClinGen allele CA10068560.
Genomic context (GRCh38, chr21:45,531,664, plus strand): 5'-GCCACCCGCAGGGCGTGTCCCAGCTTCCCGCCTGGGCCAGGATTCATGCGCTCCAGCTCC[G>C]AAGCCGAGGTTTCGCACCGCCCCCGGTCGTCGCGGTTGAAGAAGAGGCTGCGCTTGGGGC-3'
Protein context (NP_919231.1, residues 215-235): DDRGRCETSA[Ser225Trp]ELERMNPGPG